The following is an entry in ClinVar:

NM_020778.5(ALPK3):c.1131G>T (p.Gly377=)

Gene: ALPK3 (alpha kinase 3; plus strand). Cytogenetic location: 15q25.3.
Variant type: single nucleotide variant.
Coding change: c.1131G>T on transcript NM_020778.5 (MANE Select); coding-DNA position 1131, G replaced by T.
Protein change: p.Gly377=; no amino-acid change (glycine 377 retained).
Molecular consequence: synonymous variant.
Genome position (GRCh38, 1-based): chr15:84,840,410, G>T. VCF-style: chr15-84840410-G-T. GRCh37 (hg19) VCF-style: chr15-85383641-G-T.
Identifiers: ClinVar variation 2866351 (VCV002866351.5), dbSNP rs751347673, ClinGen allele CA492277754.

ClinVar aggregate classification (germline): Likely benign. Review status: criteria provided, multiple submitters, no conflicts (2 of 4 stars). 2 submissions from 2 submitters: Likely benign (2). Last evaluated 2026-06-01.

gnomAD v4.1: 2 of 1,613,926 alleles (0.00012%); highest among the groups gnomAD compares: Non-Finnish European, 0.00017%; no homozygotes.

Submissions (2):

CeGaT Center for Human Genetics Tuebingen
Classification: Likely benign. Last evaluated: 2026-06-01. Review status: criteria provided, single submitter. Criteria: CeGaT Center For Human Genetics Tuebingen Variant Classification Criteria Version 2. Collection method: clinical testing. Allele origin: germline. Affected: yes. Observed: 1 variant allele.
Comment: ALPK3: BP4, BP7

Labcorp Genetics (formerly Invitae), Labcorp
Classification: Likely benign. Last evaluated: 2025-09-08. Review status: criteria provided, single submitter. Criteria: Invitae Variant Classification Sherloc (09022015). Collection method: clinical testing. Allele origin: germline.